The following is an entry in ClinVar:

ClinVar aggregate classification (germline): Uncertain significance (1 of 4 stars; one submission).

Submission:

Labcorp Genetics (formerly Invitae), Labcorp
Classification: Uncertain significance. Last evaluated: 2022-08-16. Review status: criteria provided, single submitter. Criteria: Invitae Variant Classification Sherloc (09022015). Collection method: clinical testing. Allele origin: germline.
Comment: This sequence change replaces alanine, which is neutral and non-polar, with glycine, which is neutral and non-polar, at codon 18 of the VPS33A protein (p.Ala18Gly). This variant is not present in population databases (gnomAD no frequency). This variant has not been reported in the literature in individuals affected with VPS33A-related conditions. Algorithms developed to predict the effect of missense changes on protein structure and function (SIFT, PolyPhen-2, Align-GVGD) all suggest that this variant is likely to be tolerated. In summary, the available evidence is currently insufficient to determine the role of this variant in disease. Therefore, it has been classified as a Variant of Uncertain Significance.

NM_022916.6(VPS33A):c.53C>G (p.Ala18Gly)

Gene: VPS33A (VPS33A core subunit of CORVET and HOPS complexes; minus strand). Cytogenetic location: 12q24.31.
Variant type: single nucleotide variant.
Coding change: c.53C>G on transcript NM_022916.6 (MANE Select); coding-DNA position 53, C replaced by G.
Protein change: p.Ala18Gly; replaces alanine 18 with glycine.
Molecular consequence: missense variant. On other transcripts: 5 prime UTR variant (2).
Genome position (GRCh38, 1-based): chr12:122,266,356, G>C on the plus strand (C>G on the coding strand, the complement: VPS33A is on the minus strand). VCF-style: chr12-122266356-G-C. GRCh37 (hg19) VCF-style: chr12-122750903-G-C.
Other names: c.-211C>G (NM_001351018.2); c.-308C>G (NM_001351019.2); c.53C>G, p.Ala18Gly (NM_001351020.2, NM_001351021.2); short protein forms A18G.
Identifiers: ClinVar variation 1963944 (VCV001963944.2), dbSNP rs1955071527, ClinGen allele CA387027042.